The following is an entry in ClinVar:

ClinVar aggregate classification (germline): Uncertain significance (1 of 4 stars; one submission).

Conditions:
Neurofibromatosis, type 1 (NF1). Also called: NEUROFIBROMATOSIS, TYPE I, SOMATIC; Peripheral type neurofibromatosis; VON RECKLINGHAUSEN DISEASE; Neurofibromatosis, type I. Identifiers: Orphanet 636, MedGen C0027831, MONDO:0018975, OMIM 162200. Disease mechanism: loss of function.

Submission:

Labcorp Genetics (formerly Invitae), Labcorp
Classification: Uncertain significance for Neurofibromatosis, type 1. Last evaluated: 2023-04-06. Review status: criteria provided, single submitter. Criteria: Invitae Variant Classification Sherloc (09022015). Collection method: clinical testing. Allele origin: germline.
Comment: This sequence change replaces arginine, which is basic and polar, with glycine, which is neutral and non-polar, at codon 752 of the NF1 protein (p.Arg752Gly). This variant is not present in population databases (gnomAD no frequency). This variant has not been reported in the literature in individuals affected with NF1-related conditions. ClinVar contains an entry for this variant (Variation ID: 1008922). An algorithm developed to predict the effect of missense changes on protein structure and function (PolyPhen-2) suggests that this variant is likely to be disruptive. In summary, the available evidence is currently insufficient to determine the role of this variant in disease. Therefore, it has been classified as a Variant of Uncertain Significance.

NM_001042492.3(NF1):c.2254A>G (p.Arg752Gly)

Gene: NF1 (neurofibromin 1; plus strand). Cytogenetic location: 17q11.2.
Variant type: single nucleotide variant.
Coding change: c.2254A>G on transcript NM_001042492.3 (MANE Select); coding-DNA position 2254, A replaced by G.
Protein change: p.Arg752Gly; replaces arginine 752 with glycine.
Molecular consequence: missense variant.
Genome position (GRCh38, 1-based): chr17:31,227,220, A>G. VCF-style: chr17-31227220-A-G. GRCh37 (hg19) VCF-style: chr17-29554238-A-G.
Other names: c.2254A>G, p.Arg752Gly (NM_000267.4); short protein forms R752G.
Identifiers: ClinVar variation 1008922 (VCV001008922.5), dbSNP rs2067030463, ClinGen allele CA398982665.